The following is an entry in ClinVar:

ClinVar aggregate classification (germline): Uncertain significance (1 of 4 stars; one submission).

Allele frequency attached by ClinVar (database versions not stated): gnomAD exomes below 0.00001.

Submission:

Labcorp Genetics (formerly Invitae), Labcorp
Classification: Uncertain significance. Last evaluated: 2021-10-19. Review status: criteria provided, single submitter. Criteria: Invitae Variant Classification Sherloc (09022015). Collection method: clinical testing. Allele origin: germline.
Comment: In summary, the available evidence is currently insufficient to determine the role of this variant in disease. Therefore, it has been classified as a Variant of Uncertain Significance. Algorithms developed to predict the effect of missense changes on protein structure and function (SIFT, PolyPhen-2, Align-GVGD) all suggest that this variant is likely to be tolerated. This variant has not been reported in the literature in individuals affected with SNRNP200-related conditions. This sequence change replaces threonine with alanine at codon 1280 of the SNRNP200 protein (p.Thr1280Ala). The threonine residue is highly conserved and there is a small physicochemical difference between threonine and alanine. This variant is not present in population databases (ExAC no frequency).

NM_014014.5(SNRNP200):c.3838A>G (p.Thr1280Ala)

Gene: SNRNP200 (small nuclear ribonucleoprotein U5 subunit 200; minus strand). Cytogenetic location: 2q11.2.
Variant type: single nucleotide variant.
Coding change: c.3838A>G on transcript NM_014014.5 (MANE Select); coding-DNA position 3838, A replaced by G.
Protein change: p.Thr1280Ala; replaces threonine 1280 with alanine.
Molecular consequence: missense variant.
Genome position (GRCh38, 1-based): chr2:96,286,476, T>C on the plus strand (A>G on the coding strand, the complement: SNRNP200 is on the minus strand). VCF-style: chr2-96286476-T-C. GRCh37 (hg19) VCF-style: chr2-96952214-T-C.
Other names: short protein forms T1280A.
Identifiers: ClinVar variation 1512409 (VCV001512409.6), dbSNP rs1573993361, ClinGen allele CA347671030.